The following is an entry in ClinVar:

ClinVar aggregate classification (germline): Benign (1 of 4 stars; one submission).

Submission:

GeneDx
Classification: Benign. Last evaluated: 2018-06-18. Review status: criteria provided, single submitter. Criteria: GeneDx Variant Classification (06012015). Collection method: clinical testing. Allele origin: germline. Affected: yes.
Comment: This variant is considered likely benign or benign based on one or more of the following criteria: it is a conservative change, it occurs at a poorly conserved position in the protein, it is predicted to be benign by multiple in silico algorithms, and/or has population frequency not consistent with disease.

NM_001165963.4(SCN1A):c.4003-320_4003-319insAAAC

Genes: SCN1A (sodium voltage-gated channel alpha subunit 1; minus strand), LOC102724058 (uncharacterized LOC102724058; plus strand). Cytogenetic location: 2q24.3.
Variant type: Insertion.
Coding change: c.4003-320_4003-319insAAAC on transcript NM_001165963.4 (MANE Select); 320 bases into the intron before coding-DNA position 4003 through 319 bases into the intron before coding-DNA position 4003, AAAC inserted.
Molecular consequence: intron variant.
Genome position: GRCh38 VCF-style: chr2-166003072-G-GTTGT. GRCh37 (hg19) VCF-style: chr2-166859582-G-GTTGT.
Other names: c.3970-320_3970-319insAAAC (NM_001353949.2, NM_001353950.2, NM_001353951.2 and 2 more transcripts); c.3919-320_3919-319insAAAC (NM_001353958.2, NM_001353957.2, NM_001165964.3); c.4003-320_4003-319insAAAC (NM_001202435.3, NM_001353948.2); c.3967-320_3967-319insAAAC (NM_001353955.2, NM_001353954.2); c.3916-320_3916-319insAAAC (NM_001353960.2); c.1561-320_1561-319insAAAC (NM_001353961.2).
Identifiers: ClinVar variation 684232 (VCV000684232.1), dbSNP rs10654011, ClinGen allele CA59770018.